The following is an entry in ClinVar:

NM_001069.3(TUBB2A):c.724T>C (p.Phe242Leu)

Gene: TUBB2A (tubulin beta 2A class IIa; minus strand). Cytogenetic location: 6p25.2.
Variant type: single nucleotide variant.
Coding change: c.724T>C on transcript NM_001069.3 (MANE Select); coding-DNA position 724, T replaced by C.
Protein change: p.Phe242Leu; replaces phenylalanine 242 with leucine.
Molecular consequence: missense variant.
Genome position (GRCh38, 1-based): chr6:3,154,477, A>G on the plus strand (T>C on the coding strand, the complement: TUBB2A is on the minus strand). VCF-style: chr6-3154477-A-G. GRCh37 (hg19) VCF-style: chr6-3154711-A-G.
Other names: c.469T>C, p.Phe157Leu (NM_001310315.2); short protein forms F242L, F157L.
Identifiers: ClinVar variation 432097 (VCV000432097.2), dbSNP rs1554122948, ClinGen allele CA362592103.

ClinVar aggregate classification (germline): Likely pathogenic (1 of 4 stars; one submission).

Submission:

GeneDx
Classification: Likely pathogenic. Last evaluated: 2016-02-27. Review status: criteria provided, single submitter. Criteria: GeneDx Variant Classification (06012015). Collection method: clinical testing. Allele origin: germline. Affected: yes.
Comment: The F242L variant in the TUBB2A gene has not been reported previously as a pathogenic variant, nor as a benign variant, to our knowledge. The F242L variant was not observed in approximately 6400 individuals of European and African American ancestry in the NHLBI Exome Sequencing Project, indicating it is not a common benign variant in these populations. The F242L variant is a conservative amino acid substitution, which is not likely to impact secondary protein structure as these residues share similar properties. This substitution occurs at a position that is conserved across species. In silico analysis predicts this variant is probably damaging to the protein structure/function. The F242L variant is a strong candidate for a pathogenic variant